The following is an entry in ClinVar:

ClinVar aggregate classification (germline): Uncertain significance (1 of 4 stars; one submission).

Allele frequency attached by ClinVar (database versions not stated): gnomAD exomes 0.00004; TOPMed 0.00001; gnomAD 0.00001; ExAC 0.00002.
gnomAD v4.1: 58 of 1,614,144 alleles (0.0036%); highest among the groups gnomAD compares: East Asian, 0.033%; no homozygotes.

Submission:

Labcorp Genetics (formerly Invitae), Labcorp
Classification: Uncertain significance. Last evaluated: 2025-06-22. Review status: criteria provided, single submitter. Criteria: Invitae Variant Classification Sherloc (09022015). Collection method: clinical testing. Allele origin: germline.
Comment: This sequence change replaces isoleucine, which is neutral and non-polar, with threonine, which is neutral and polar, at codon 264 of the MYH3 protein (p.Ile264Thr). The frequency data for this variant in the population databases is considered unreliable, as metrics indicate poor data quality at this position in the gnomAD database. This variant has not been reported in the literature in individuals affected with MYH3-related conditions. ClinVar contains an entry for this variant (Variation ID: 2029393). Invitae Evidence Modeling of protein sequence and biophysical properties (such as structural, functional, and spatial information, amino acid conservation, physicochemical variation, residue mobility, and thermodynamic stability) has been performed for this missense variant. However, the output from this modeling did not meet the statistical confidence thresholds required to predict the impact of this variant on MYH3 protein function. In summary, the available evidence is currently insufficient to determine the role of this variant in disease. Therefore, it has been classified as a Variant of Uncertain Significance.

NM_002470.4(MYH3):c.791T>C (p.Ile264Thr)

Gene: MYH3 (myosin heavy chain 3; minus strand). Cytogenetic location: 17p13.1.
Variant type: single nucleotide variant.
Coding change: c.791T>C on transcript NM_002470.4 (MANE Select); coding-DNA position 791, T replaced by C.
Protein change: p.Ile264Thr; replaces isoleucine 264 with threonine.
Molecular consequence: missense variant.
Genome position (GRCh38, 1-based): chr17:10,647,371, A>G on the plus strand (T>C on the coding strand, the complement: MYH3 is on the minus strand). VCF-style: chr17-10647371-A-G. GRCh37 (hg19) VCF-style: chr17-10550688-A-G.
Other names: short protein forms I264T.
Identifiers: ClinVar variation 2029393 (VCV002029393.4), dbSNP rs763347751, ClinGen allele CA8393159.